The following is an entry in ClinVar:

ClinVar aggregate classification (germline): Likely benign (1 of 4 stars; one submission).

gnomAD v4.1: 21 of 1,614,114 alleles (0.0013%); highest among the groups gnomAD compares: East Asian, 0.0022%; no homozygotes.

Submission:

CeGaT Center for Human Genetics Tuebingen
Classification: Likely benign. Last evaluated: 2025-05-01. Review status: criteria provided, single submitter. Criteria: CeGaT Center For Human Genetics Tuebingen Variant Classification Criteria Version 2. Collection method: clinical testing. Allele origin: germline. Affected: yes. Observed: 1 variant allele.
Comment: NDST1: BP4, BP7

NM_001543.5(NDST1):c.906G>A (p.Thr302=)

Gene: NDST1 (N-deacetylase and N-sulfotransferase 1; plus strand). Cytogenetic location: 5q33.1.
Variant type: single nucleotide variant.
Coding change: c.906G>A on transcript NM_001543.5 (MANE Select); coding-DNA position 906, G replaced by A.
Protein change: p.Thr302=; no amino-acid change (threonine 302 retained).
Molecular consequence: synonymous variant.
Genome position (GRCh38, 1-based): chr5:150,528,196, G>A. VCF-style: chr5-150528196-G-A. GRCh37 (hg19) VCF-style: chr5-149907758-G-A.
Other names: c.906G>A, p.Thr302= (NM_001301063.2).
Identifiers: ClinVar variation 3905197 (VCV003905197.10).
Genomic context (GRCh38, chr5:150,528,196, plus strand): 5'-CAACAACCTGAACTTCTGGCTGCACAAGCTTGTCTTCGTGGATGCCGTGGCCTTCCTCAC[G>A]GGGAAGCGCCTCTCCCTGCCATTGGACCGCTACATCCTGGTGGACATTGATGACATCTTC-3'
Protein context (NP_001534.1, residues 292-312): LVFVDAVAFL[Thr302=]GKRLSLPLDR